The following is an entry in ClinVar:

NM_000169.3(GLA):c.640-814T>C

Genes: GLA (galactosidase alpha; minus strand), RPL36A-HNRNPH2 (RPL36A-HNRNPH2 readthrough; plus strand). Cytogenetic location: Xq22.1.
Variant type: single nucleotide variant.
Coding change: c.640-814T>C on transcript NM_000169.3 (MANE Select); 814 bases into the intron before coding-DNA position 640, T replaced by C.
Molecular consequence: intron variant. On other transcripts: non-coding transcript variant (1).
Genome position (GRCh38, 1-based): chrX:101,399,760, A>G on the plus strand (T>C on the coding strand, the complement: GLA is on the minus strand). VCF-style: chrX-101399760-A-G. GRCh37 (hg19) VCF-style: chrX-100654748-A-G.
Other names: c.300+4303A>G (NM_001199973.2); c.177+7938A>G (NM_001199974.2); c.763-814T>C (NM_001406747.1); c.640-814T>C (NM_001406748.1).
Identifiers: ClinVar variation 636547 (VCV000636547.5), dbSNP rs1603040008, ClinGen allele CA915951298.

ClinVar aggregate classification (germline): Conflicting classifications of pathogenicity. Review status: criteria provided, conflicting classifications (1 of 4 stars). 3 submissions from 3 submitters: Likely pathogenic (1); Uncertain significance (2). Last evaluated 2026-09-08.

Conditions:
Fabry disease. Also called: Angiokeratoma corporis diffusum; Ceramide trihexosidosis; Fabry's disease; ALPHA-GALACTOSIDASE A DEFICIENCY; ANDERSON-FABRY DISEASE; CERAMIDE TRIHEXOSIDASE DEFICIENCY. Identifiers: Orphanet 324, MedGen C0002986, MONDO:0010526, OMIM 301500, HP:0001071. Disease mechanism: loss of function, Fabry disease is due to inactivating mutations in the X-linked GLA gene resulting in deficiency of the enzyme Alpha Galactosidase-A..

Submissions (3):

Genomenon, Inc
Classification: Uncertain significance for Fabry disease. Last evaluated: 2026-09-08. Review status: criteria provided, single submitter. Criteria: Genomenon Sequence Variant Interpretation Standards - Updated. Collection method: curation. Allele origin: germline. Affected: yes.
Comment: GLA c.640-814T>C is an intronic variant located in intron 4. This variant has been observed in at least one proband with clinical features consistent with Fabry disease (PMID:40692291). It is absent or not present at a significant frequency in gnomAD. In silico models predict that this variant is possibly or probably damaging. In conclusion, we classify GLA c.640-814T>C as a variant of uncertain significance.

The Laboratory of Cardiovascular Diseases, The First Hospital of LanZhou University
Classification: Likely pathogenic for Fabry disease. Last evaluated: 2023-06-15. Review status: criteria provided, single submitter. Criteria: ACMG Guidelines, 2015. Collection method: clinical testing. Allele origin: paternal. Inheritance: X-linked inheritance. Affected: yes. Observed: 3 variant alleles, 2 heterozygotes, 1 hemizygote. Clinical features observed: Hypertrophic cardiomyopathy (HP:0001639).
Comment: The c.640-814T>C variant in GLA has not been reproted and was absent from large population studies. Evidence of pedigree co-segregation suggests that the variant is highly likely to be pathogenic.

Blueprint Genetics
Classification: Uncertain significance. Last evaluated: 2019-08-29. Review status: criteria provided, single submitter. Criteria: ACMG Guidelines, 2015. Collection method: clinical testing. Allele origin: germline.

Literature cited by the submitters: PubMed 40692291 (cited by Genomenon, Inc).